The following is an entry in ClinVar:

NM_001205293.3(CACNA1E):c.169C>T (p.Pro57Ser)

Gene: CACNA1E (calcium voltage-gated channel subunit alpha1 E; plus strand). Cytogenetic location: 1q25.3.
Variant type: single nucleotide variant.
Coding change: c.169C>T on transcript NM_001205293.3 (MANE Select); coding-DNA position 169, C replaced by T.
Protein change: p.Pro57Ser; replaces proline 57 with serine.
Molecular consequence: missense variant.
Genome position (GRCh38, 1-based): chr1:181,483,913, C>T. VCF-style: chr1-181483913-C-T. GRCh37 (hg19) VCF-style: chr1-181453049-C-T.
Other names: c.169C>T, p.Pro57Ser (NM_000721.4, NM_001205294.2); short protein forms P57S.
Identifiers: ClinVar variation 3621856 (VCV003621856.2).

ClinVar aggregate classification (germline): Uncertain significance (1 of 4 stars; one submission).

Submission:

Labcorp Genetics (formerly Invitae), Labcorp
Classification: Uncertain significance. Last evaluated: 2024-04-03. Review status: criteria provided, single submitter. Criteria: Invitae Variant Classification Sherloc (09022015). Collection method: clinical testing. Allele origin: germline.
Comment: This sequence change replaces proline, which is neutral and non-polar, with serine, which is neutral and polar, at codon 57 of the CACNA1E protein (p.Pro57Ser). This variant is not present in population databases (gnomAD no frequency). This variant has not been reported in the literature in individuals affected with CACNA1E-related conditions. Advanced modeling of protein sequence and biophysical properties (such as structural, functional, and spatial information, amino acid conservation, physicochemical variation, residue mobility, and thermodynamic stability) has been performed at Invitae for this missense variant, however the output from this modeling did not meet the statistical confidence thresholds required to predict the impact of this variant on CACNA1E protein function. In summary, the available evidence is currently insufficient to determine the role of this variant in disease. Therefore, it has been classified as a Variant of Uncertain Significance.